The following is an entry in ClinVar:

ClinVar aggregate classification (germline): Uncertain significance (1 of 4 stars; one submission).

Conditions:
Alagille syndrome due to a JAG1 point mutation. Also called: HEPATIC DUCTULAR HYPOPLASIA, SYNDROMATIC; JAG1-Related Alagille Syndrome; Alagille Syndrome 1. Identifiers: Orphanet 261619, Orphanet 52, MedGen C1956125, MONDO:0016862, OMIM 118450.

Allele frequency attached by ClinVar (database versions not stated): TOPMed below 0.00001; ExAC 0.00001; gnomAD exomes 0.00001; ESP Exome Variant Server 0.00008.
gnomAD v4.1: 8 of 1,613,398 alleles (0.0005%); highest among the groups gnomAD compares: Admixed American, 0.0017%; no homozygotes.

Submission:

Labcorp Genetics (formerly Invitae), Labcorp
Classification: Uncertain significance for Alagille syndrome due to a JAG1 point mutation. Last evaluated: 2026-01-19. Review status: criteria provided, single submitter. Criteria: Invitae Variant Classification Sherloc (09022015). Collection method: clinical testing. Allele origin: germline.
Comment: This sequence change replaces histidine, which is basic and polar, with tyrosine, which is neutral and polar, at codon 385 of the JAG1 protein (p.His385Tyr). This variant is present in population databases (rs374935659, gnomAD 0.003%). This variant has not been reported in the literature in individuals affected with JAG1-related conditions. ClinVar contains an entry for this variant (Variation ID: 2046741). Invitae Evidence Modeling of protein sequence and biophysical properties (such as structural, functional, and spatial information, amino acid conservation, physicochemical variation, residue mobility, and thermodynamic stability) has been performed for this missense variant. However, the output from this modeling did not meet the statistical confidence thresholds required to predict the impact of this variant on JAG1 protein function. In summary, the available evidence is currently insufficient to determine the role of this variant in disease. Therefore, it has been classified as a Variant of Uncertain Significance.

NM_000214.3(JAG1):c.1153C>T (p.His385Tyr)

Gene: JAG1 (jagged canonical Notch ligand 1; minus strand). Cytogenetic location: 20p12.2.
Variant type: single nucleotide variant.
Coding change: c.1153C>T on transcript NM_000214.3 (MANE Select); coding-DNA position 1153, C replaced by T.
Protein change: p.His385Tyr; replaces histidine 385 with tyrosine.
Molecular consequence: missense variant.
Genome position (GRCh38, 1-based): chr20:10,650,328, G>A on the plus strand (C>T on the coding strand, the complement: JAG1 is on the minus strand). VCF-style: chr20-10650328-G-A. GRCh37 (hg19) VCF-style: chr20-10630976-G-A.
Other names: short protein forms H385Y.
Identifiers: ClinVar variation 2046741 (VCV002046741.4), dbSNP rs374935659, ClinGen allele CA9764964.